The following is an entry in ClinVar:

ClinVar aggregate classification (germline): Uncertain significance (1 of 4 stars; one submission).

Submission:

Labcorp Genetics (formerly Invitae), Labcorp
Classification: Uncertain significance. Last evaluated: 2024-06-29. Review status: criteria provided, single submitter. Criteria: Invitae Variant Classification Sherloc (09022015). Collection method: clinical testing. Allele origin: germline.
Comment: This sequence change replaces isoleucine, which is neutral and non-polar, with methionine, which is neutral and non-polar, at codon 151 of the NFE2L2 protein (p.Ile151Met). This variant is not present in population databases (gnomAD no frequency). This variant has not been reported in the literature in individuals affected with NFE2L2-related conditions. Algorithms developed to predict the effect of missense changes on protein structure and function output the following: SIFT: "Not Available"; PolyPhen-2: "Benign"; Align-GVGD: "Not Available". The methionine amino acid residue is found in multiple mammalian species, which suggests that this missense change does not adversely affect protein function. In summary, the available evidence is currently insufficient to determine the role of this variant in disease. Therefore, it has been classified as a Variant of Uncertain Significance.

NM_006164.5(NFE2L2):c.453C>G (p.Ile151Met)

Gene: NFE2L2 (NFE2 like bZIP transcription factor 2; minus strand). Cytogenetic location: 2q31.2.
Variant type: single nucleotide variant.
Coding change: c.453C>G on transcript NM_006164.5 (MANE Select); coding-DNA position 453, C replaced by G.
Protein change: p.Ile151Met; replaces isoleucine 151 with methionine.
Molecular consequence: missense variant.
Genome position (GRCh38, 1-based): chr2:177,232,533, G>C on the plus strand (C>G on the coding strand, the complement: NFE2L2 is on the minus strand). VCF-style: chr2-177232533-G-C. GRCh37 (hg19) VCF-style: chr2-178097261-G-C.
Other names: c.405C>G, p.Ile135Met (NM_001145412.3, NM_001313900.1, NM_001313901.1); c.384C>G, p.Ile128Met (NM_001145413.3); c.363C>G, p.Ile121Met (NM_001313902.2); c.234C>G, p.Ile78Met (NM_001313903.2); c.153C>G, p.Ile51Met (NM_001313904.1); short protein forms I78M, I121M, I135M, I151M, I51M, I128M.
Identifiers: ClinVar variation 3664214 (VCV003664214.2).
Genomic context (GRCh38, chr2:177,232,533, plus strand): 5'-CTGAGCAACAGAAGTTTCAGGTGACTGAGCCTGATTAGTAGCAATGAAGACTGGGCTCTC[G>C]ATGTGACCGGGAATATCAGGAACAAGTGACTGAAACGTAGCCGAAGAAACCTAAAATTGA-3'
Protein context (NP_006155.2, residues 141-161): QSLVPDIPGH[Ile151Met]ESPVFIATNQ